The following is an entry in ClinVar:

NM_002857.4(PEX19):c.212T>A (p.Phe71Tyr)

Gene: PEX19 (peroxisomal biogenesis factor 19; minus strand). Cytogenetic location: 1q23.2.
Variant type: single nucleotide variant.
Coding change: c.212T>A on transcript NM_002857.4 (MANE Select); coding-DNA position 212, T replaced by A.
Protein change: p.Phe71Tyr; replaces phenylalanine 71 with tyrosine.
Molecular consequence: missense variant. On other transcripts: non-coding transcript variant (2).
Genome position (GRCh38, 1-based): chr1:160,283,078, A>T on the plus strand (T>A on the coding strand, the complement: PEX19 is on the minus strand). VCF-style: chr1-160283078-A-T. GRCh37 (hg19) VCF-style: chr1-160252868-A-T.
Other names: c.212T>A, p.Phe71Tyr (NM_001193644.1); short protein forms F71Y.
Identifiers: ClinVar variation 1716543 (VCV001716543.5), dbSNP rs2525316486, ClinGen allele CA343263784.

ClinVar aggregate classification (germline): Uncertain significance (1 of 4 stars; one submission).

Conditions:
Peroxisome biogenesis disorder 12A (Zellweger). Also called: Peroxisome biogenesis disorder 12A. Identifiers: Orphanet 912, MedGen C3554002, MONDO:0013951, OMIM 614886.

Submission:

Labcorp Genetics (formerly Invitae), Labcorp
Classification: Uncertain significance for Peroxisome biogenesis disorder 12A (Zellweger). Last evaluated: 2022-08-16. Review status: criteria provided, single submitter. Criteria: Invitae Variant Classification Sherloc (09022015). Collection method: clinical testing. Allele origin: germline.
Comment: This sequence change replaces phenylalanine, which is neutral and non-polar, with tyrosine, which is neutral and polar, at codon 71 of the PEX19 protein (p.Phe71Tyr). This variant is not present in population databases (gnomAD no frequency). This variant has not been reported in the literature in individuals affected with PEX19-related conditions. Algorithms developed to predict the effect of missense changes on protein structure and function are either unavailable or do not agree on the potential impact of this missense change (SIFT: "Tolerated"; PolyPhen-2: "Probably Damaging"; Align-GVGD: "Class C0"). In summary, the available evidence is currently insufficient to determine the role of this variant in disease. Therefore, it has been classified as a Variant of Uncertain Significance.